The following is an entry in ClinVar:

ClinVar aggregate classification (germline): Likely pathogenic. Review status: criteria provided, multiple submitters, no conflicts (2 of 4 stars). 2 submissions from 2 submitters: Likely pathogenic (2). Last evaluated 2024-10-29.

Conditions:
Craniosynostosis and dental anomalies (CRSDA). Also called: KREIBORG-PAKISTANI SYNDROME. Identifiers: Orphanet 284149, MedGen C3280073, MONDO:0013615, OMIM 614188.

Allele frequency attached by ClinVar (database versions not stated): gnomAD 0.00002 and 0.00003; gnomAD exomes 0.00002 and 0.00004; TOPMed 0.00003.
gnomAD v4.1: 58 of 1,611,738 alleles (0.0036%); highest among the groups gnomAD compares: Non-Finnish European, 0.0044%; no homozygotes.

Submissions (2):

GeneDx
Classification: Likely pathogenic. Last evaluated: 2024-10-29. Review status: criteria provided, single submitter. Criteria: GeneDx Variant Classification Process June 2021. Collection method: clinical testing. Allele origin: germline. Affected: yes.
Comment: RNA studies demonstrate a damaging effect (PMID: 34906502); This variant is associated with the following publications: (PMID: 34906502)

Kids Neuroscience Centre, Sydney Children's Hospitals Network
Classification: Likely pathogenic for Craniosynostosis and dental anomalies. Review status: criteria provided, single submitter. Criteria: Bournazos AM et al. (Genet Med 2021). Collection method: clinical testing. Allele origin: paternal, maternal, unknown. Inheritance: Autosomal recessive inheritance. Affected: yes and no. Observed: 1 heterozygote, 2 compound heterozygotes.
Comment: The c.810G>A variant induces exon-8 skipping (p.Leu216Cysfs*88) causing a frameshift, encoding 87 missense amino acids and premature termination codon. These transcripts are predicted to be targeted for nonsensemediated decay. Nonsense mediated decay is an innate surveillance pathway that degrades transcripts with premature termination codons (when the premature termination codon occurs upstream of the last exon junction complex; i.e. more than 30 nucleotides upstream of the end of the second to last exon) (Rival et al., 2015). Any mis-spliced IL11RA transcripts with exon-8 skipping that escape nonsense-mediated decay encode IL11RA protein with 87 missense amino acids and premature termination codon that abnormally removes 206 C-terminal amino acids (Leu216_Leu422); consistent with high likelihood of IL11RA protein dysfunction.

NM_001142784.3(IL11RA):c.810G>A (p.Thr270=)

Gene: IL11RA (interleukin 11 receptor subunit alpha; plus strand). Cytogenetic location: 9p13.3.
Variant type: single nucleotide variant.
Coding change: c.810G>A on transcript NM_001142784.3 (MANE Select); coding-DNA position 810, G replaced by A.
Protein change: p.Thr270=; no amino-acid change (threonine 270 retained).
Molecular consequence: synonymous variant. On other transcripts: non-coding transcript variant (1).
Genome position (GRCh38, 1-based): chr9:34,658,683, G>A. VCF-style: chr9-34658683-G-A. GRCh37 (hg19) VCF-style: chr9-34658680-G-A.
Identifiers: ClinVar variation 1064613 (VCV001064613.4), dbSNP rs1258408605, ClinGen allele CA464410530.